The following is an entry in ClinVar:

ClinVar aggregate classification (germline): drug response (0 of 4 stars; one submission).

Conditions:
Corticosteroids response. Also called: Corticosteroid response.

Submission:

Genetic Testing Lab, Ashok and Rita Patel Institute of Integrated Study and Research in Biotechnology and Allied Sciences
Classification: drug response for Corticosteroid response. Last evaluated: 2020-01-12. Review status: no assertion criteria provided. Collection method: research. Allele origin: somatic. Affected: yes. Observed: 37 variant alleles.
Comment: Depending upon patients response to standard corticosteroids therapy, they were classified to be either Steroid resistance(SRNS) or steroid sensitive(SSNS), histopathological finding confirmed it for Minimal change disease

NM_004998.4(MYO1E):c.2595C>G (p.Thr865=)

Gene: MYO1E (myosin IE; minus strand). Cytogenetic location: 15q22.2.
Variant type: single nucleotide variant.
Coding change: c.2595C>G on transcript NM_004998.4 (MANE Select); coding-DNA position 2595, C replaced by G.
Protein change: p.Thr865=; no amino-acid change (threonine 865 retained).
Molecular consequence: synonymous variant.
Genome position (GRCh38, 1-based): chr15:59,163,189, G>C on the plus strand (C>G on the coding strand, the complement: MYO1E is on the minus strand). VCF-style: chr15-59163189-G-C. GRCh37 (hg19) VCF-style: chr15-59455388-G-C.
Identifiers: ClinVar variation 977117 (VCV000977117.2), dbSNP rs1300127405, ClinGen allele CA490623687.